The following is an entry in ClinVar:

ClinVar aggregate classification (germline): Uncertain significance (1 of 4 stars; one submission).

Allele frequency attached by ClinVar (database versions not stated): TOPMed below 0.00001.

Submission:

Women's Health and Genetics/Laboratory Corporation of America, LabCorp
Classification: Uncertain significance. Last evaluated: 2024-04-08. Review status: criteria provided, single submitter. Criteria: LabCorp Variant Classification Summary - May 2015. Collection method: clinical testing. Allele origin: germline.
Comment: Variant summary: PURA c.327G>T (p.Glu109Asp) results in a conservative amino acid change in the encoded protein sequence. Four of five in-silico tools predict a benign effect of the variant on protein function. The variant was absent in 240494 control chromosomes. The available data on variant occurrences in the general population are insufficient to allow any conclusion about variant significance. To our knowledge, no occurrence of c.327G>T in individuals affected with Mental Retardation, Autosomal Dominant 31 and no experimental evidence demonstrating its impact on protein function have been reported. No submitters have cited clinical-significance assessments for this variant to ClinVar. Based on the evidence outlined above, the variant was classified as uncertain significance.

NM_005859.5(PURA):c.327G>T (p.Glu109Asp)

Gene: PURA (purine rich element binding protein A; plus strand). Cytogenetic location: 5q31.3.
Variant type: single nucleotide variant.
Coding change: c.327G>T on transcript NM_005859.5 (MANE Select); coding-DNA position 327, G replaced by T.
Protein change: p.Glu109Asp; replaces glutamic acid 109 with aspartic acid.
Molecular consequence: missense variant.
Genome position (GRCh38, 1-based): chr5:140,114,508, G>T. VCF-style: chr5-140114508-G-T. GRCh37 (hg19) VCF-style: chr5-139494093-G-T.
Other names: short protein forms E109D.
Identifiers: ClinVar variation 3251437 (VCV003251437.1), dbSNP rs1763044600.